The following is an entry in ClinVar:

NM_001349018.2(NME9):c.453G>A (p.Glu151=)

Gene: NME9 (NME/NM23 family member 9; minus strand). Cytogenetic location: 3q22.3.
Variant type: single nucleotide variant.
Coding change: c.453G>A on transcript NM_001349018.2 (MANE Select); coding-DNA position 453, G replaced by A.
Protein change: p.Glu151=; no amino-acid change (glutamic acid 151 retained).
Molecular consequence: synonymous variant.
Genome position (GRCh38, 1-based): chr3:138,314,339, C>T on the plus strand (G>A on the coding strand, the complement: NME9 is on the minus strand). VCF-style: chr3-138314339-C-T. GRCh37 (hg19) VCF-style: chr3-138033181-C-T.
Other names: c.264G>A, p.Glu88= (NM_001349020.2, NM_001349021.2); c.270G>A, p.Glu90= (NM_001349022.2, NM_178130.4); c.183G>A, p.Glu61= (NM_001349023.2); c.336G>A, p.Glu112= (NM_001349024.2, NM_001349025.2).
Identifiers: ClinVar variation 403245 (VCV000403245.5), dbSNP rs9289556, ClinGen allele CA2636774.

ClinVar aggregate classification (germline): Benign. Review status: criteria provided, multiple submitters, no conflicts (2 of 4 stars). 2 submissions from 2 submitters: Benign (2). Last evaluated 2016-03-29.

Allele frequency attached by ClinVar (database versions not stated): ESP Exome Variant Server 0.66692; gnomAD 0.68199 and 0.68557; TOPMed 0.69109; 1000 Genomes Project 30x 0.69847; 1000 Genomes Project 0.70208; ExAC 0.71418; gnomAD exomes 0.71707 and 0.72174.
gnomAD v4.1: 1,139,592 of 1,596,882 alleles (71%); highest among the groups gnomAD compares: Admixed American, 83%; 408,924 homozygotes.

Submissions (2):

Laboratory for Molecular Medicine, Mass General Brigham Personalized Medicine
Classification: Benign. Last evaluated: 2016-03-29. Review status: criteria provided, single submitter. Criteria: LMM Criteria. Collection method: clinical testing. Allele origin: germline.
Comment: Variant identified in a genome or exome case(s) and assessed due to predicted null impact of the variant or pathogenic assertions in the literature or databases. Disclaimer: This variant has not undergone full assessment. The following are preliminary notes: Frequency

Breakthrough Genomics
Classification: Benign. Review status: criteria provided, single submitter. Criteria: ACMG Guidelines, 2015. Collection method: not provided. Allele origin: germline. Inheritance: Unknown mechanism. Affected: yes.